The following is an entry in ClinVar:

ClinVar aggregate classification (germline): Uncertain significance (1 of 4 stars; one submission).

Submission:

GeneDx
Classification: Uncertain significance. Last evaluated: 2019-12-24. Review status: criteria provided, single submitter. Criteria: GeneDx Variant Classification Process June 2021. Collection method: clinical testing. Allele origin: germline. Affected: yes.
Comment: Not observed in large population cohorts (Lek et al., 2016); Normal stop codon changed to an Arginine codon, leading to the addition of 71 amino acids at the C-terminus; Has not been previously published as pathogenic or benign to our knowledge

NM_007327.4(GRIN1):c.2815T>C (p.Ter939Arg)

Gene: GRIN1 (glutamate ionotropic receptor NMDA type subunit 1; plus strand). Cytogenetic location: 9q34.3.
Variant type: single nucleotide variant.
Coding change: c.2815T>C on transcript NM_007327.4 (MANE Select); coding-DNA position 2815, T replaced by C.
Protein change: p.Ter939Arg.
Molecular consequence: stop lost. On other transcripts: intron variant (3).
Genome position (GRCh38, 1-based): chr9:137,167,525, T>C. VCF-style: chr9-137167525-T-C. GRCh37 (hg19) VCF-style: chr9-140061977-T-C.
Other names: c.2704T>C, p.Ter902Arg (NM_021569.4); c.2764-249T>C (NM_001185090.2); c.2653-249T>C (NM_001185091.2); c.2590-249T>C (NM_000832.7).
Identifiers: ClinVar variation 1311430 (VCV001311430.2), dbSNP rs2131315142, ClinGen allele CA375730258.